The following is an entry in ClinVar:

ClinVar aggregate classification (germline): Uncertain significance. Review status: criteria provided, single submitter (1 of 4 stars). 2 submissions from 2 submitters: Uncertain significance (1). 1 of the submissions does not count toward it. Last evaluated 2018-08-01.

Conditions:
Duchenne muscular dystrophy (DMD). Also called: MUSCULAR DYSTROPHY, PSEUDOHYPERTROPHIC PROGRESSIVE, DUCHENNE TYPE; Duchenne Muscular Dystrophy (DMD). Identifiers: Orphanet 98896, MedGen C0013264, MONDO:0010679, OMIM 310200.
Dystrophin deficiency.
Becker muscular dystrophy (BMD). Also called: MUSCULAR DYSTROPHY, PSEUDOHYPERTROPHIC PROGRESSIVE, BECKER TYPE; Becker Muscular Dystrophy (BMD). Identifiers: Orphanet 98895, MedGen C0917713, MONDO:0010311, OMIM 300376.
Cardiomyopathy (CMYO). Also called: Cardiomyopathies. Identifiers: Orphanet 167848, MedGen C0878544, MONDO:0004994, HP:0001638. Inheritance: Various modes of inheritance.

Submissions (2):

Labcorp Genetics (formerly Invitae), Labcorp
Classification: Uncertain significance for Duchenne muscular dystrophy. Last evaluated: 2018-08-01. Review status: criteria provided, single submitter. Criteria: Invitae Variant Classification Sherloc (09022015). Collection method: clinical testing. Allele origin: germline.
Comment: In summary, the available evidence is currently insufficient to determine the role of this variant in disease. Therefore, it has been classified as a Variant of Uncertain Significance. Algorithms developed to predict the effect of missense changes on protein structure and function are either unavailable or do not agree on the potential impact of this missense change (SIFT: "Deleterious"; PolyPhen-2: "Probably Damaging"; Align-GVGD: "Class C0"). This variant has not been reported in the literature in individuals with DMD-related disease. This variant is not present in population databases (ExAC no frequency). This sequence change replaces threonine with isoleucine at codon 1292 of the DMD protein (p.Thr1292Ile). The threonine residue is highly conserved and there is a moderate physicochemical difference between threonine and isoleucine.

Natera, Inc.
Classification: Uncertain significance for Becker muscular dystrophy; Cardiomyopathy; Duchenne muscular dystrophy; Dystrophin deficiency. Last evaluated: 2021-10-01. Review status: no assertion criteria provided. Collection method: clinical testing. Allele origin: germline. Not counted in ClinVar's aggregate classification.

NM_004006.3(DMD):c.3875C>T (p.Thr1292Ile)

Gene: DMD (dystrophin; minus strand). Cytogenetic location: Xp21.1.
Variant type: single nucleotide variant.
Coding change: c.3875C>T on transcript NM_004006.3 (MANE Select); coding-DNA position 3875, C replaced by T.
Protein change: p.Thr1292Ile; replaces threonine 1292 with isoleucine.
Molecular consequence: missense variant.
Genome position (GRCh38, 1-based): chrX:32,441,226, G>A on the plus strand (C>T on the coding strand, the complement: DMD is on the minus strand). VCF-style: chrX-32441226-G-A. GRCh37 (hg19) VCF-style: chrX-32459343-G-A.
Other names: c.3851C>T, p.Thr1284Ile (NM_000109.4); c.3863C>T, p.Thr1288Ile (NM_004009.3); c.3506C>T, p.Thr1169Ile (NM_004010.3); short protein forms T1169I, T1292I, T1284I, T1288I.
Identifiers: ClinVar variation 665942 (VCV000665942.10), dbSNP rs1603633538, ClinGen allele CA412670317.